The following is an entry in ClinVar:

ClinVar aggregate classification (germline): Benign/Likely benign. Review status: criteria provided, multiple submitters, no conflicts (2 of 4 stars). 6 submissions from 6 submitters: Benign (1); Likely benign (4). 1 of the submissions does not count toward it. Last evaluated 2026-01-19.

Conditions:
RDX-related disorder. Also called: RDX-related condition.

Submissions (6):

Labcorp Genetics (formerly Invitae), Labcorp
Classification: Benign. Last evaluated: 2026-01-19. Review status: criteria provided, single submitter. Criteria: Invitae Variant Classification Sherloc (09022015). Collection method: clinical testing. Allele origin: germline.

CeGaT Center for Human Genetics Tuebingen
Classification: Likely benign. Last evaluated: 2025-10-01. Review status: criteria provided, single submitter. Criteria: CeGaT Center For Human Genetics Tuebingen Variant Classification Criteria Version 2. Collection method: clinical testing. Allele origin: germline. Affected: yes. Observed: 1 variant allele.
Comment: RDX: BP4, BS2

Blueprint Genetics
Classification: Likely benign. Last evaluated: 2024-11-26. Review status: criteria provided, single submitter. Criteria: ACMG Guidelines, 2015. Collection method: clinical testing. Allele origin: germline.

GeneDx
Classification: Likely benign. Last evaluated: 2022-12-20. Review status: criteria provided, single submitter. Criteria: GeneDx Variant Classification Process June 2021. Collection method: clinical testing. Allele origin: germline. Affected: yes.
Comment: See Variant Classification Assertion Criteria.

Laboratory for Molecular Medicine, Mass General Brigham Personalized Medicine
Classification: Likely benign. Last evaluated: 2016-06-23. Review status: criteria provided, single submitter. Criteria: LMM Criteria. Collection method: clinical testing. Allele origin: germline. Observed: 5 variant alleles.
Comment: c.97-19TGT[3] in intron 3 of RDX: This variant is not expected to have clinical significance because it has been identified in 0.35% (57/16200) of South Asian c hromosomes by the Exome Aggregation Consortium (ExAC .org).

PreventionGenetics, part of Exact Sciences
Classification: Likely benign for RDX-related condition. Last evaluated: 2020-01-21. Review status: no assertion criteria provided. Collection method: clinical testing. Allele origin: germline. Not counted in ClinVar's aggregate classification.
Comment: This variant is classified as likely benign based on ACMG/AMP sequence variant interpretation guidelines (Richards et al. 2015 PMID: 25741868, with internal and published modifications).

NM_002906.4(RDX):c.97-19TGT[3]

Gene: RDX (radixin; minus strand). Cytogenetic location: 11q22.3.
Variant type: Microsatellite.
Coding change: c.97-19TGT[3] on transcript NM_002906.4 (MANE Select); three copies in a row of the 3-base unit TGT starting at c.97-19; the reference has four copies in a row; one copy, 3 bases deleted.
Molecular consequence: intron variant.
Genome position (GRCh38, 1-based): chr11:110,264,882-110,264,884, ACA deleted on the plus strand (TGT on the coding strand, the reverse complement: RDX is on the minus strand); deleting any 3 consecutive bases within chr11:110,264,882-110,264,894 gives the same sequence; the position shown is the placement nearest the transcript's 3' end. VCF-style (leftmost placement, unchanged base first): chr11-110264881-CACA-C. GRCh37 (hg19) VCF-style: chr11-110135606-CACA-C.
Other names: c.97-10_97-8delTGT (NM_002906.3); c.97-19TGT[3] (NM_001260493.2, NM_001260492.2); c.-83+14788TGT[3] (NM_001260495.2); c.97-659TGT[3] (NM_001260496.2); c.60-6704TGT[3] (NM_001260494.2).
Identifiers: ClinVar variation 179830 (VCV000179830.26), dbSNP rs532650829, ClinGen allele CA185225.